The following is an entry in ClinVar:

NM_031220.4(PITPNM3):c.2116C>T (p.Arg706Cys)

Gene: PITPNM3 (PITPNM family member 3; minus strand). Cytogenetic location: 17p13.2.
Variant type: single nucleotide variant.
Coding change: c.2116C>T on transcript NM_031220.4 (MANE Select); coding-DNA position 2116, C replaced by T.
Protein change: p.Arg706Cys; replaces arginine 706 with cysteine.
Molecular consequence: missense variant.
Genome position (GRCh38, 1-based): chr17:6,464,210, G>A on the plus strand (C>T on the coding strand, the complement: PITPNM3 is on the minus strand). VCF-style: chr17-6464210-G-A. GRCh37 (hg19) VCF-style: chr17-6367530-G-A.
Other names: c.2008C>T, p.Arg670Cys (NM_001165966.2); short protein forms R670C, R706C.
Identifiers: ClinVar variation 1899219 (VCV001899219.5), dbSNP rs199984470, ClinGen allele CA8329273.

ClinVar aggregate classification (germline): Uncertain significance (1 of 4 stars; one submission).

Allele frequency attached by ClinVar (database versions not stated): gnomAD exomes 0.00001; TOPMed 0.00001; ExAC 0.00002; gnomAD 0.00002; 1000 Genomes Project 30x 0.00016; 1000 Genomes Project 0.00020.
gnomAD v4.1: 25 of 1,614,172 alleles (0.0015%); highest among the groups gnomAD compares: Middle Eastern, 0.033%; no homozygotes.

Submission:

Labcorp Genetics (formerly Invitae), Labcorp
Classification: Uncertain significance. Last evaluated: 2023-12-03. Review status: criteria provided, single submitter. Criteria: Invitae Variant Classification Sherloc (09022015). Collection method: clinical testing. Allele origin: germline.
Comment: This sequence change replaces arginine, which is basic and polar, with cysteine, which is neutral and slightly polar, at codon 706 of the PITPNM3 protein (p.Arg706Cys). This variant is present in population databases (rs199984470, gnomAD 0.006%). This variant has not been reported in the literature in individuals affected with PITPNM3-related conditions. ClinVar contains an entry for this variant (Variation ID: 1899219). Advanced modeling of protein sequence and biophysical properties (such as structural, functional, and spatial information, amino acid conservation, physicochemical variation, residue mobility, and thermodynamic stability) performed at Invitae indicates that this missense variant is not expected to disrupt PITPNM3 protein function with a negative predictive value of 80%. In summary, the available evidence is currently insufficient to determine the role of this variant in disease. Therefore, it has been classified as a Variant of Uncertain Significance.